The following is an entry in ClinVar:

ClinVar aggregate classification (germline): Uncertain significance (1 of 4 stars; one submission).

Allele frequency attached by ClinVar (database versions not stated): gnomAD exomes below 0.00001; gnomAD 0.00002; TOPMed 0.00003; ESP Exome Variant Server 0.00008.
gnomAD v4.1: 8 of 1,585,822 alleles (0.0005%); highest among the groups gnomAD compares: Non-Finnish European, 0.00068%; no homozygotes.

Submission:

Labcorp Genetics (formerly Invitae), Labcorp
Classification: Uncertain significance. Last evaluated: 2025-01-06. Review status: criteria provided, single submitter. Criteria: Invitae Variant Classification Sherloc (09022015). Collection method: clinical testing. Allele origin: germline.
Comment: This sequence change replaces leucine, which is neutral and non-polar, with arginine, which is basic and polar, at codon 633 of the KIF11 protein (p.Leu633Arg). This variant is not present in population databases (gnomAD no frequency). This variant has not been reported in the literature in individuals affected with KIF11-related conditions. ClinVar contains an entry for this variant (Variation ID: 2082046). Invitae Evidence Modeling of protein sequence and biophysical properties (such as structural, functional, and spatial information, amino acid conservation, physicochemical variation, residue mobility, and thermodynamic stability) indicates that this missense variant is not expected to disrupt KIF11 protein function with a negative predictive value of 95%. In summary, the available evidence is currently insufficient to determine the role of this variant in disease. Therefore, it has been classified as a Variant of Uncertain Significance.

NM_004523.4(KIF11):c.1898T>G (p.Leu633Arg)

Gene: KIF11 (kinesin family member 11; plus strand). Cytogenetic location: 10q23.33.
Variant type: single nucleotide variant.
Coding change: c.1898T>G on transcript NM_004523.4 (MANE Select); coding-DNA position 1898, T replaced by G.
Protein change: p.Leu633Arg; replaces leucine 633 with arginine.
Molecular consequence: missense variant.
Genome position (GRCh38, 1-based): chr10:92,637,206, T>G. VCF-style: chr10-92637206-T-G. GRCh37 (hg19) VCF-style: chr10-94396963-T-G.
Other names: short protein forms L633R.
Identifiers: ClinVar variation 2082046 (VCV002082046.4), dbSNP rs146481589, ClinGen allele CA211513810.
Genomic context (GRCh38, chr10:92,637,206, plus strand): 5'-TTCTTTTTAAAGACCTATTTGTTTATTTCTGAAACCAGAATGTACTCAAGACTGATCTTC[T>G]AAGTTCACTGGAAATGATTTTATCCCCAACTGTGGTGTCTATACTGAAAATCAATAGTCA-3'
Protein context (NP_004514.2, residues 623-643): ELINVLKTDL[Leu633Arg]SSLEMILSPT